The following is an entry in ClinVar:

ClinVar aggregate classification (germline): Uncertain significance (1 of 4 stars; one submission).

Conditions:
Fanconi anemia (FA). Also called: Fanconi's anemia. Identifiers: Orphanet 84, MedGen C0015625, MeSH D005199, MONDO:0019391.

Submission:

Labcorp Genetics (formerly Invitae), Labcorp
Classification: Uncertain significance for Fanconi anemia. Last evaluated: 2017-11-27. Review status: criteria provided, single submitter. Criteria: Invitae Variant Classification Sherloc (09022015). Collection method: clinical testing. Allele origin: germline.
Comment: This variant has not been reported in the literature in individuals with SLX4-related disease. This variant is not present in population databases (ExAC no frequency). This sequence change replaces valine with leucine at codon 733 of the SLX4 protein (p.Val733Leu). The valine residue is weakly conserved and there is a small physicochemical difference between valine and leucine. In summary, the available evidence is currently insufficient to determine the role of this variant in disease. Therefore, it has been classified as a Variant of Uncertain Significance. Algorithms developed to predict the effect of missense changes on protein structure and function (SIFT, PolyPhen-2, Align-GVGD) all suggest that this variant is likely to be tolerated, but these predictions have not been confirmed by published functional studies and their clinical significance is uncertain.

NM_032444.4(SLX4):c.2197G>C (p.Val733Leu)

Gene: SLX4 (SLX4 structure-specific endonuclease subunit; minus strand). Cytogenetic location: 16p13.3.
Variant type: single nucleotide variant.
Coding change: c.2197G>C on transcript NM_032444.4 (MANE Select); coding-DNA position 2197, G replaced by C.
Protein change: p.Val733Leu; replaces valine 733 with leucine.
Molecular consequence: missense variant.
Genome position (GRCh38, 1-based): chr16:3,592,829, C>G on the plus strand (G>C on the coding strand, the complement: SLX4 is on the minus strand). VCF-style: chr16-3592829-C-G. GRCh37 (hg19) VCF-style: chr16-3642830-C-G.
Other names: c.2197G>C (LRG_503t1); short protein forms V733L.
Identifiers: ClinVar variation 526397 (VCV000526397.8), dbSNP rs1555450668, ClinGen allele CA394525076.